The following is an entry in ClinVar:

NM_006767.4(LZTR1):c.403G>A (p.Gly135Ser)

Gene: LZTR1 (leucine zipper like post translational regulator 1; plus strand). Cytogenetic location: 22q11.21.
Variant type: single nucleotide variant.
Coding change: c.403G>A on transcript NM_006767.4 (MANE Select); coding-DNA position 403, G replaced by A.
Protein change: p.Gly135Ser; replaces glycine 135 with serine.
Molecular consequence: missense variant.
Genome position (GRCh38, 1-based): chr22:20,988,012, G>A. VCF-style: chr22-20988012-G-A. GRCh37 (hg19) VCF-style: chr22-21342301-G-A.
Other names: c.403G>A (NM_006767.3); short protein forms G135S.
Identifiers: ClinVar variation 1908422 (VCV001908422.6), dbSNP rs771188787, ClinGen allele CA410779578.
Genomic context (GRCh38, chr22:20,988,012, plus strand): 5'-GTTTGAAATCTCCAAGACTGCCCTTTGGGTTTGACAGTTTCTCACTCTCTTTACTCAGGG[G>A]GTTACACTGGGGACATTTATTCCAATTCTAACTTGAAGAATAAAAACGACCTCTTTGAAT-3'
Protein context (NP_006758.2, residues 125-145): VYGSSMFVFG[Gly135Ser]YTGDIYSNSN

ClinVar aggregate classification (germline): Uncertain significance. Review status: criteria provided, multiple submitters, no conflicts (2 of 4 stars). 2 submissions from 2 submitters: Uncertain significance (2). Last evaluated 2024-11-06.

Conditions:
Cardiovascular phenotype. Identifiers: MedGen CN230736.
Hereditary cancer-predisposing syndrome. Also called: Neoplastic Syndromes, Hereditary; Hereditary Cancer Syndrome; Tumor predisposition; Hereditary neoplastic syndrome. Identifiers: Orphanet 140162, MedGen C0027672, MeSH D009386, MONDO:0015356.

gnomAD v4.1: 1 of 1,581,876 alleles (0.000063%); highest among the groups gnomAD compares: Non-Finnish European, 0.000087%; no homozygotes.

Submissions (2):

Labcorp Genetics (formerly Invitae), Labcorp
Classification: Uncertain significance. Last evaluated: 2024-11-06. Review status: criteria provided, single submitter. Criteria: Invitae Variant Classification Sherloc (09022015). Collection method: clinical testing. Allele origin: germline.
Comment: This sequence change replaces glycine, which is neutral and non-polar, with serine, which is neutral and polar, at codon 135 of the LZTR1 protein (p.Gly135Ser). This variant is not present in population databases (gnomAD no frequency). This variant has not been reported in the literature in individuals affected with LZTR1-related conditions. ClinVar contains an entry for this variant (Variation ID: 1908422). An algorithm developed to predict the effect of missense changes on protein structure and function (PolyPhen-2) suggests that this variant is likely to be disruptive. In summary, the available evidence is currently insufficient to determine the role of this variant in disease. Therefore, it has been classified as a Variant of Uncertain Significance.

Ambry Genetics
Classification: Uncertain significance for Cardiovascular phenotype; Hereditary cancer-predisposing syndrome. Last evaluated: 2023-06-23. Review status: criteria provided, single submitter. Criteria: Ambry Variant Classification Scheme 2023. Collection method: clinical testing. Allele origin: germline.
Comment: The p.G135S variant (also known as c.403G>A), located in coding exon 5 of the LZTR1 gene, results from a G to A substitution at nucleotide position 403. The glycine at codon 135 is replaced by serine, an amino acid with similar properties. This amino acid position is highly conserved in available vertebrate species. In addition, this alteration is predicted to be deleterious by in silico analysis. Since supporting evidence is limited at this time, the clinical significance of this alteration remains unclear.